The following is an entry in ClinVar:

NM_006904.7(PRKDC):c.5767T>A (p.Phe1923Ile)

Gene: PRKDC (protein kinase, DNA-activated, catalytic subunit; minus strand). Cytogenetic location: 8q11.21.
Variant type: single nucleotide variant.
Coding change: c.5767T>A on transcript NM_006904.7 (MANE Select); coding-DNA position 5767, T replaced by A.
Protein change: p.Phe1923Ile; replaces phenylalanine 1923 with isoleucine.
Molecular consequence: missense variant.
Genome position (GRCh38, 1-based): chr8:47,862,525, A>T on the plus strand (T>A on the coding strand, the complement: PRKDC is on the minus strand). VCF-style: chr8-47862525-A-T. GRCh37 (hg19) VCF-style: chr8-48775086-A-T.
Other names: c.5767T>A, p.Phe1923Ile (NM_001081640.2); short protein forms F1923I.
Identifiers: ClinVar variation 3425355 (VCV003425355.1).
Genomic context (GRCh38, chr8:47,862,525, plus strand): 5'-CACAATGGTAAAGTCTTCTCCTCTCCAGCAGCTGATTCTCTCCTGCCATGTTCTCTGTAA[A>T]TGCATCGTAGCACAATCTGCAGAGAGATCCATGTGACAAATCAATTCACACAACATGGCA-3'
Protein context (NP_008835.5, residues 1913-1933): KTLIKLCYDA[Phe1923Ile]TENMAGENQL

ClinVar aggregate classification (germline): Uncertain significance (1 of 4 stars; one submission).

Submission:

Ambry Genetics
Classification: Uncertain significance. Last evaluated: 2024-10-13. Review status: criteria provided, single submitter. Criteria: Ambry Variant Classification Scheme 2023. Collection method: clinical testing. Allele origin: germline.
Comment: The p.F1923I variant (also known as c.5767T>A), located in coding exon 43 of the PRKDC gene, results from a T to A substitution at nucleotide position 5767. The phenylalanine at codon 1923 is replaced by isoleucine, an amino acid with highly similar properties. This amino acid position is conserved. In addition, this alteration is predicted to be tolerated by in silico analysis. Based on the available evidence, the clinical significance of this variant remains unclear.